The following is an entry in ClinVar:

ClinVar aggregate classification (germline): Uncertain significance (1 of 4 stars; one submission).

Conditions:
Alagille syndrome due to a JAG1 point mutation. Also called: Alagille Syndrome 1; HEPATIC DUCTULAR HYPOPLASIA, SYNDROMATIC; JAG1-Related Alagille Syndrome. Identifiers: Orphanet 261619, Orphanet 52, MedGen C1956125, MONDO:0016862, OMIM 118450.

Submission:

Labcorp Genetics (formerly Invitae), Labcorp
Classification: Uncertain significance for Alagille syndrome due to a JAG1 point mutation. Last evaluated: 2023-10-29. Review status: criteria provided, single submitter. Criteria: Invitae Variant Classification Sherloc (09022015). Collection method: clinical testing. Allele origin: germline.
Comment: This sequence change replaces cysteine, which is neutral and slightly polar, with arginine, which is basic and polar, at codon 572 of the JAG1 protein (p.Cys572Arg). This variant is not present in population databases (gnomAD no frequency). This variant has not been reported in the literature in individuals affected with JAG1-related conditions. Advanced modeling of protein sequence and biophysical properties (such as structural, functional, and spatial information, amino acid conservation, physicochemical variation, residue mobility, and thermodynamic stability) has been performed at Invitae for this missense variant, however the output from this modeling did not meet the statistical confidence thresholds required to predict the impact of this variant on JAG1 protein function. In summary, the available evidence is currently insufficient to determine the role of this variant in disease. Therefore, it has been classified as a Variant of Uncertain Significance.

NM_000214.3(JAG1):c.1714T>C (p.Cys572Arg)

Gene: JAG1 (jagged canonical Notch ligand 1; minus strand). Cytogenetic location: 20p12.2.
Variant type: single nucleotide variant.
Coding change: c.1714T>C on transcript NM_000214.3 (MANE Select); coding-DNA position 1714, T replaced by C.
Protein change: p.Cys572Arg; replaces cysteine 572 with arginine.
Molecular consequence: missense variant.
Genome position (GRCh38, 1-based): chr20:10,647,966, A>G on the plus strand (T>C on the coding strand, the complement: JAG1 is on the minus strand). VCF-style: chr20-10647966-A-G. GRCh37 (hg19) VCF-style: chr20-10628614-A-G.
Other names: short protein forms C572R.
Identifiers: ClinVar variation 2819840 (VCV002819840.3), dbSNP rs2514516526, ClinGen allele CA408236713.